The following is an entry in ClinVar:

ClinVar aggregate classification (germline): Uncertain significance (1 of 4 stars; one submission).

Submission:

GeneDx
Classification: Uncertain significance. Last evaluated: 2023-10-27. Review status: criteria provided, single submitter. Criteria: GeneDx Variant Classification Process June 2021. Collection method: clinical testing. Allele origin: germline. Affected: yes.
Comment: Not observed at significant frequency in large population cohorts (gnomAD); In silico analysis supports that this missense variant has a deleterious effect on protein structure/function; Has not been previously published as pathogenic or benign to our knowledge

NM_198503.5(KCNT2):c.2723C>A (p.Ser908Tyr)

Gene: KCNT2 (potassium sodium-activated channel subfamily T member 2; minus strand). Cytogenetic location: 1q31.3.
Variant type: single nucleotide variant.
Coding change: c.2723C>A on transcript NM_198503.5 (MANE Select); coding-DNA position 2723, C replaced by A.
Protein change: p.Ser908Tyr; replaces serine 908 with tyrosine.
Molecular consequence: missense variant. On other transcripts: non-coding transcript variant (2).
Genome position (GRCh38, 1-based): chr1:196,282,331, G>T on the plus strand (C>A on the coding strand, the complement: KCNT2 is on the minus strand). VCF-style: chr1-196282331-G-T. GRCh37 (hg19) VCF-style: chr1-196251461-G-T.
Other names: c.2651C>A, p.Ser884Tyr (NM_001287819.3); c.2501C>A, p.Ser834Tyr (NM_001287820.3); short protein forms S834Y, S884Y, S908Y.
Identifiers: ClinVar variation 3363460 (VCV003363460.1).